The following is an entry in ClinVar:

ClinVar aggregate classification (germline): Benign. Review status: criteria provided, multiple submitters, no conflicts (2 of 4 stars). 8 submissions from 7 submitters: Benign (8). Last evaluated 2026-01-12.

Conditions:
Lethal Kniest-like syndrome (DDSH). Also called: Dyssegmental Dysplasia. Identifiers: Orphanet 1865, MedGen C1857100, MONDO:0009140, OMIM 224410.
Schwartz-Jampel syndrome. Also called: Myotonic myopathy dwarfism chondrodystrophy and ocular and facial abnormalities. Identifiers: Orphanet 800, MedGen C0036391, MONDO:0009717.
HSPG2-related disorder. Also called: HSPG2-related condition; HSPG2-related disorders.

Allele frequency attached by ClinVar (database versions not stated): gnomAD exomes 0.00063 and 0.00167; ExAC 0.00220; gnomAD 0.00632 and 0.00664; TOPMed 0.00733; 1000 Genomes Project 0.00779; ESP Exome Variant Server 0.00807; 1000 Genomes Project 30x 0.00953.
gnomAD v4.1: 1,916 of 1,614,062 alleles (0.12%); highest among the groups gnomAD compares: African/African-American, 2.4%; 23 homozygotes.

Submissions (8):

Labcorp Genetics (formerly Invitae), Labcorp
Classification: Benign. Last evaluated: 2026-01-12. Review status: criteria provided, single submitter. Criteria: Invitae Variant Classification Sherloc (09022015). Collection method: clinical testing. Allele origin: germline.

PreventionGenetics, part of Exact Sciences
Classification: Benign for HSPG2-related condition. Last evaluated: 2024-11-03. Review status: criteria provided, single submitter. Criteria: ACMG Guidelines, 2015. Collection method: clinical testing. Allele origin: germline.
Comment: This variant is classified as benign based on ACMG/AMP sequence variant interpretation guidelines (Richards et al. 2015 PMID: 25741868, with internal and published modifications).

Athena Diagnostics
Classification: Benign. Last evaluated: 2024-07-24. Review status: criteria provided, single submitter. Criteria: Athena Diagnostics Criteria. Collection method: clinical testing. Allele origin: unknown.

ARUP Laboratories, Molecular Genetics and Genomics, ARUP Laboratories
Classification: Benign. Last evaluated: 2020-08-24. Review status: criteria provided, single submitter. Criteria: ARUP Molecular Germline Variant Investigation Process. Collection method: clinical testing. Allele origin: germline.

GeneDx
Classification: Benign. Last evaluated: 2019-02-11. Review status: criteria provided, single submitter. Criteria: GeneDx Variant Classification Process June 2021. Collection method: clinical testing. Allele origin: germline. Affected: yes.

Illumina Laboratory Services, Illumina
Classification: Benign for Lethal Kniest-like syndrome. Last evaluated: 2018-01-12. Review status: criteria provided, single submitter. Criteria: ICSL Variant Classification Criteria 13 December 2019. Collection method: clinical testing. Allele origin: germline.
Comment: This variant was observed in the ICSL laboratory as part of a predisposition screen in an ostensibly healthy population. It had not been previously curated by ICSL or reported in the Human Gene Mutation Database (HGMD: prior to June 1st, 2018), and was therefore a candidate for classification through an automated scoring system. Utilizing variant allele frequency, disease prevalence and penetrance estimates, and inheritance mode, an automated score was calculated to assess if this variant is too frequent to cause the disease. Based on the score and internal cut-off values, a variant classified as benign is not then subjected to further curation. The score for this variant resulted in a classification of benign for this disease.

Illumina Laboratory Services, Illumina
Classification: Benign for Schwartz-Jampel syndrome type 1. Last evaluated: 2018-01-12. Review status: criteria provided, single submitter. Criteria: ICSL Variant Classification Criteria 13 December 2019. Collection method: clinical testing. Allele origin: germline.
Comment: the same text as in the submission from Illumina Laboratory Services, Illumina above.

Breakthrough Genomics
Classification: Benign. Review status: criteria provided, single submitter. Criteria: ACMG Guidelines, 2015. Collection method: not provided. Allele origin: germline. Inheritance: Autosomal recessive inheritance. Affected: yes.

NM_005529.7(HSPG2):c.9732C>T (p.His3244=)

Gene: HSPG2 (heparan sulfate proteoglycan 2; minus strand). Cytogenetic location: 1p36.12.
Variant type: single nucleotide variant.
Coding change: c.9732C>T on transcript NM_005529.7 (MANE Select); coding-DNA position 9732, C replaced by T.
Protein change: p.His3244=; no amino-acid change (histidine 3244 retained).
Molecular consequence: synonymous variant.
Genome position (GRCh38, 1-based): chr1:21,839,528, G>A on the plus strand (C>T on the coding strand, the complement: HSPG2 is on the minus strand). VCF-style: chr1-21839528-G-A. GRCh37 (hg19) VCF-style: chr1-22166021-G-A.
Other names: c.9735C>T, p.His3245= (NM_001291860.2).
Identifiers: ClinVar variation 295754 (VCV000295754.28), dbSNP rs74782938, ClinGen allele CA670341.